The following is an entry in ClinVar:

NM_000875.5(IGF1R):c.3572C>T (p.Thr1191Ile)

Gene: IGF1R (insulin like growth factor 1 receptor; plus strand). Cytogenetic location: 15q26.3.
Variant type: single nucleotide variant.
Coding change: c.3572C>T on transcript NM_000875.5 (MANE Select); coding-DNA position 3572, C replaced by T.
Protein change: p.Thr1191Ile; replaces threonine 1191 with isoleucine.
Molecular consequence: missense variant.
Genome position (GRCh38, 1-based): chr15:98,943,037, C>T. VCF-style: chr15-98943037-C-T. GRCh37 (hg19) VCF-style: chr15-99486266-C-T.
Other names: c.3569C>T, p.Thr1190Ile (NM_001291858.2); short protein forms T1191I, T1190I.
Identifiers: ClinVar variation 4740615 (VCV004740615.1).

ClinVar aggregate classification (germline): Uncertain significance (1 of 4 stars; one submission).

Submission:

Labcorp Genetics (formerly Invitae), Labcorp
Classification: Uncertain significance. Last evaluated: 2025-10-10. Review status: criteria provided, single submitter. Criteria: Invitae Variant Classification Sherloc (09022015). Collection method: clinical testing. Allele origin: germline.
Comment: This sequence change replaces threonine, which is neutral and polar, with isoleucine, which is neutral and non-polar, at codon 1191 of the IGF1R protein (p.Thr1191Ile). This variant is not present in population databases (gnomAD no frequency). This variant has not been reported in the literature in individuals affected with IGF1R-related conditions. Invitae Evidence Modeling of protein sequence and biophysical properties (such as structural, functional, and spatial information, amino acid conservation, physicochemical variation, residue mobility, and thermodynamic stability) indicates that this missense variant is not expected to disrupt IGF1R protein function with a negative predictive value of 80%. In summary, the available evidence is currently insufficient to determine the role of this variant in disease. Therefore, it has been classified as a Variant of Uncertain Significance.